The following is an entry in ClinVar:

ClinVar aggregate classification (germline): Likely pathogenic (1 of 4 stars; one submission).

Conditions:
Alagille syndrome due to a JAG1 point mutation. Also called: JAG1-Related Alagille Syndrome; Alagille Syndrome 1; HEPATIC DUCTULAR HYPOPLASIA, SYNDROMATIC. Identifiers: Orphanet 261619, Orphanet 52, MedGen C1956125, MONDO:0016862, OMIM 118450.

Submission:

Labcorp Genetics (formerly Invitae), Labcorp
Classification: Likely pathogenic for Alagille syndrome due to a JAG1 point mutation. Last evaluated: 2024-11-25. Review status: criteria provided, single submitter. Criteria: Invitae Variant Classification Sherloc (09022015). Collection method: clinical testing. Allele origin: germline.
Comment: This sequence change affects a donor splice site in intron 12 of the JAG1 gene. It is expected to disrupt RNA splicing. Variants that disrupt the donor or acceptor splice site typically lead to a loss of protein function (PMID: 16199547), and loss-of-function variants in JAG1 are known to be pathogenic (PMID: 11180599). This variant is not present in population databases (gnomAD no frequency). This variant has not been reported in the literature in individuals affected with JAG1-related conditions. Algorithms developed to predict the effect of sequence changes on RNA splicing suggest that this variant may disrupt the consensus splice site. In summary, the currently available evidence indicates that the variant is pathogenic, but additional data are needed to prove that conclusively. Therefore, this variant has been classified as Likely Pathogenic.

Literature cited by the submitters: PubMed 16199547; PubMed 11180599.

NM_000214.3(JAG1):c.1569+1G>T

Gene: JAG1 (jagged canonical Notch ligand 1; minus strand). Cytogenetic location: 20p12.2.
Variant type: single nucleotide variant.
Coding change: c.1569+1G>T on transcript NM_000214.3 (MANE Select); the canonical splice donor site of the intron after coding-DNA position 1569, G replaced by T.
Molecular consequence: splice donor variant.
Genome position (GRCh38, 1-based): chr20:10,648,548, C>A on the plus strand (G>T on the coding strand, the complement: JAG1 is on the minus strand). VCF-style: chr20-10648548-C-A. GRCh37 (hg19) VCF-style: chr20-10629196-C-A.
Identifiers: ClinVar variation 3645729 (VCV003645729.2).